The following is an entry in ClinVar:

NM_018941.4(CLN8):c.766C>G (p.Gln256Glu)

Gene: CLN8 (CLN8 transmembrane ER and ERGIC protein; plus strand). Cytogenetic location: 8p23.3.
Variant type: single nucleotide variant.
Coding change: c.766C>G on transcript NM_018941.4 (MANE Select); coding-DNA position 766, C replaced by G.
Protein change: p.Gln256Glu; replaces glutamine 256 with glutamic acid.
Molecular consequence: missense variant.
Genome position (GRCh38, 1-based): chr8:1,780,472, C>G. VCF-style: chr8-1780472-C-G. GRCh37 (hg19) VCF-style: chr8-1728638-C-G.
Other names: short protein forms Q256E.
Identifiers: ClinVar variation 56719 (VCV000056719.2), dbSNP rs386834138, ClinGen allele CA264191.

ClinVar aggregate classification (germline): Likely pathogenic (0 of 4 stars; one submission).

Conditions:
Neuronal ceroid lipofuscinosis 8 (CLN8). Also called: CLN8-Related Neuronal Ceroid-Lipofuscinosis. Identifiers: Orphanet 168491, Orphanet 228354, Orphanet 79264, MedGen C1838570, MONDO:0010830, OMIM 600143.

gnomAD v4.1: 1 of 1,614,222 alleles (0.000062%); highest among the groups gnomAD compares: Non-Finnish European, 0.000085%; no homozygotes.

Submission:

Juha Muilu Group; Institute for Molecular Medicine Finland (FIMM)
Classification: Likely pathogenic for Ceroid lipofuscinosis neuronal 8. Review status: no assertion criteria provided. Collection method: not provided. Allele origin: unknown.
Comment: FinDis database variant: This variant was not found or characterized by our laboratory, data were collected from public sources: see reference
ClinVar note: Converted during submission from probable-pathogenic to Likely pathogenic.